The following is an entry in ClinVar:

NM_001277313.2(FMN1):c.1785T>A (p.Pro595=)

Gene: FMN1 (formin 1; minus strand). Cytogenetic location: 15q13.3.
Variant type: single nucleotide variant.
Coding change: c.1785T>A on transcript NM_001277313.2 (MANE Select); coding-DNA position 1785, T replaced by A.
Protein change: p.Pro595=; no amino-acid change (proline 595 retained).
Molecular consequence: synonymous variant.
Genome position (GRCh38, 1-based): chr15:33,153,130, A>T on the plus strand (T>A on the coding strand, the complement: FMN1 is on the minus strand). VCF-style: chr15-33153130-A-T. GRCh37 (hg19) VCF-style: chr15-33445331-A-T.
Other names: c.1785T>A, p.Pro595= (NM_001277314.2).
Identifiers: ClinVar variation 4281534 (VCV004281534.7).

ClinVar aggregate classification (germline): Likely benign (1 of 4 stars; one submission).

Submission:

CeGaT Center for Human Genetics Tuebingen
Classification: Likely benign. Last evaluated: 2025-09-01. Review status: criteria provided, single submitter. Criteria: CeGaT Center For Human Genetics Tuebingen Variant Classification Criteria Version 2. Collection method: clinical testing. Allele origin: germline. Affected: yes. Observed: 1 variant allele.
Comment: FMN1: PM2:Supporting, BP4, BP7